The following is an entry in ClinVar:

ClinVar aggregate classification (germline): Uncertain significance. Review status: criteria provided, multiple submitters, no conflicts (2 of 4 stars). 2 submissions from 2 submitters: Uncertain significance (2). Last evaluated 2024-11-14.

Submissions (2):

ARUP Laboratories, Molecular Genetics and Genomics, ARUP Laboratories
Classification: Uncertain significance. Last evaluated: 2024-11-14. Review status: criteria provided, single submitter. Criteria: ARUP Molecular Germline Variant Investigation Process 2024. Collection method: clinical testing. Allele origin: germline.

GeneDx
Classification: Uncertain significance. Last evaluated: 2021-01-11. Review status: criteria provided, single submitter. Criteria: GeneDx Variant Classification Process June 2021. Collection method: clinical testing. Allele origin: germline. Affected: yes.
Comment: Not observed in large population cohorts (Lek et al., 2016); Missense variants in this gene are often considered pathogenic (Stenson et al., 2014); In silico analysis supports that this missense variant has a deleterious effect on protein structure/function; Has not been previously published as pathogenic or benign to our knowledge

NM_001165963.4(SCN1A):c.916A>C (p.Asn306His)

Gene: SCN1A (sodium voltage-gated channel alpha subunit 1; minus strand). Cytogenetic location: 2q24.3.
Variant type: single nucleotide variant.
Coding change: c.916A>C on transcript NM_001165963.4 (MANE Select); coding-DNA position 916, A replaced by C.
Protein change: p.Asn306His; replaces asparagine 306 with histidine.
Molecular consequence: missense variant. On other transcripts: 5 prime UTR variant (1), non-coding transcript variant (1).
Genome position (GRCh38, 1-based): chr2:166,051,767, T>G on the plus strand (A>C on the coding strand, the complement: SCN1A is on the minus strand). VCF-style: chr2-166051767-T-G. GRCh37 (hg19) VCF-style: chr2-166908277-T-G.
Other names: c.916A>C, p.Asn306His (NM_001165964.3, NM_001202435.3, NM_001353948.2 and 10 more transcripts); c.-1510A>C (NM_001353961.2); short protein forms N306H.
Identifiers: ClinVar variation 1313971 (VCV001313971.3), dbSNP rs2105888896, ClinGen allele CA349072638.